The following is an entry in ClinVar:

NM_002860.4(ALDH18A1):c.1312A>G (p.Ile438Val)

Gene: ALDH18A1 (aldehyde dehydrogenase 18 family member A1; minus strand). Cytogenetic location: 10q24.1.
Variant type: single nucleotide variant.
Coding change: c.1312A>G on transcript NM_002860.4 (MANE Select); coding-DNA position 1312, A replaced by G.
Protein change: p.Ile438Val; replaces isoleucine 438 with valine.
Molecular consequence: missense variant.
Genome position (GRCh38, 1-based): chr10:95,621,186, T>C on the plus strand (A>G on the coding strand, the complement: ALDH18A1 is on the minus strand). VCF-style: chr10-95621186-T-C. GRCh37 (hg19) VCF-style: chr10-97380943-T-C.
Other names: c.1306A>G, p.Ile436Val (NM_001017423.2, NM_001323415.2); c.979A>G, p.Ile327Val (NM_001323412.2, NM_001323416.2); c.1312A>G, p.Ile438Val (NM_001323413.2, NM_001323414.2); c.1207A>G, p.Ile403Val (NM_001323417.2); c.973A>G, p.Ile325Val (NM_001323418.2); c.676A>G, p.Ile226Val (NM_001323419.2); short protein forms I403V, I436V, I325V, I226V, I327V, I438V.
Identifiers: ClinVar variation 1942994 (VCV001942994.5), dbSNP rs772376087, ClinGen allele CA5620354.
Genomic context (GRCh38, chr10:95,621,186, plus strand): 5'-TGCGGCGCAAAACACGTCCCACGCTGTCCTGGGAGGAGGCTGCGATCTGTCGCAGACCGA[T>C]GGCCAGGCTGTTCAATTTGGATGTGGAGAGGCTTAAACGTTTCAGCAGAGGAGCTGCAAG-3'
Protein context (NP_002851.2, residues 428-448): LSTSKLNSLA[Ile438Val]GLRQIAASSQ

ClinVar aggregate classification (germline): Uncertain significance (1 of 4 stars; one submission).

Conditions:
Cutis laxa, autosomal dominant 3 (ADCL3). Identifiers: Orphanet 90348, MedGen C4225268, MONDO:0014706, OMIM 616603.
Autosomal dominant spastic paraplegia type 9. Identifiers: MedGen C1832669, MONDO:0015091.
de Barsy syndrome. Also called: Cutis laxa-corneal clouding-oligophrenia syndrome. Identifiers: Orphanet 2962, MedGen C0268354, MONDO:0017569.

Allele frequency attached by ClinVar (database versions not stated): gnomAD exomes below 0.00001; ExAC 0.00001.
gnomAD v4.1: 4 of 1,614,134 alleles (0.00025%); highest among the groups gnomAD compares: African/African-American, 0.0013%; no homozygotes.

Submission:

Labcorp Genetics (formerly Invitae), Labcorp
Classification: Uncertain significance for Autosomal dominant spastic paraplegia type 9; de Barsy syndrome; Cutis laxa, autosomal dominant 3. Last evaluated: 2022-06-19. Review status: criteria provided, single submitter. Criteria: Invitae Variant Classification Sherloc (09022015). Collection method: clinical testing. Allele origin: germline.
Comment: In summary, the available evidence is currently insufficient to determine the role of this variant in disease. Therefore, it has been classified as a Variant of Uncertain Significance. Algorithms developed to predict the effect of missense changes on protein structure and function (SIFT, PolyPhen-2, Align-GVGD) all suggest that this variant is likely to be tolerated. This variant has not been reported in the literature in individuals affected with ALDH18A1-related conditions. This variant is present in population databases (rs772376087, gnomAD 0.0009%). This sequence change replaces isoleucine, which is neutral and non-polar, with valine, which is neutral and non-polar, at codon 438 of the ALDH18A1 protein (p.Ile438Val).